The following is an entry in ClinVar:

ClinVar aggregate classification (germline): Uncertain significance (1 of 4 stars; one submission).

Conditions:
LAMA2-related muscular dystrophy (LAMA2-RD). Also called: Laminin alpha 2-related dystrophy. Identifiers: MedGen C5679788, MONDO:0100228.

Allele frequency attached by ClinVar (database versions not stated): ExAC 0.00001; gnomAD 0.00001; 1000 Genomes Project 30x 0.00016; 1000 Genomes Project 0.00020.
gnomAD v4.1: 1 of 1,613,932 alleles (0.000062%); highest among the groups gnomAD compares: South Asian, 0.0011%; no homozygotes.

Submission:

Labcorp Genetics (formerly Invitae), Labcorp
Classification: Uncertain significance for LAMA2-related muscular dystrophy. Last evaluated: 2024-10-03. Review status: criteria provided, single submitter. Criteria: Invitae Variant Classification Sherloc (09022015). Collection method: clinical testing. Allele origin: germline.
Comment: This sequence change replaces isoleucine, which is neutral and non-polar, with leucine, which is neutral and non-polar, at codon 2110 of the LAMA2 protein (p.Ile2110Leu). This variant is present in population databases (rs531424175, gnomAD 0.003%). This variant has not been reported in the literature in individuals affected with LAMA2-related conditions. ClinVar contains an entry for this variant (Variation ID: 2190659). Invitae Evidence Modeling of protein sequence and biophysical properties (such as structural, functional, and spatial information, amino acid conservation, physicochemical variation, residue mobility, and thermodynamic stability) indicates that this missense variant is not expected to disrupt LAMA2 protein function with a negative predictive value of 95%. In summary, the available evidence is currently insufficient to determine the role of this variant in disease. Therefore, it has been classified as a Variant of Uncertain Significance.

NM_000426.4(LAMA2):c.6328A>T (p.Ile2110Leu)

Gene: LAMA2 (laminin subunit alpha 2; plus strand). Cytogenetic location: 6q22.33.
Variant type: single nucleotide variant.
Coding change: c.6328A>T on transcript NM_000426.4 (MANE Select); coding-DNA position 6328, A replaced by T.
Protein change: p.Ile2110Leu; replaces isoleucine 2110 with leucine.
Molecular consequence: missense variant.
Genome position (GRCh38, 1-based): chr6:129,445,720, A>T. VCF-style: chr6-129445720-A-T. GRCh37 (hg19) VCF-style: chr6-129766865-A-T.
Other names: c.6328A>T, p.Ile2110Leu (NM_001079823.2); short protein forms I2110L.
Identifiers: ClinVar variation 2190659 (VCV002190659.2), dbSNP rs531424175, ClinGen allele CA3994242.